The following is an entry in ClinVar:

ClinVar aggregate classification (germline): Uncertain significance. Review status: criteria provided, multiple submitters, no conflicts (2 of 4 stars). 2 submissions from 2 submitters: Uncertain significance (2). Last evaluated 2025-11-19.

Conditions:
Agammaglobulinemia 2, autosomal recessive (AGM2). Also called: AGAMMAGLOBULINEMIA, AUTOSOMAL RECESSIVE, DUE TO IGLL1 DEFECT. Identifiers: MedGen C3150750, MONDO:0013287, OMIM 613500.

Allele frequency attached by ClinVar (database versions not stated): gnomAD exomes 0.00003 and 0.00007; gnomAD 0.00004 and 0.00005; TOPMed 0.00005; ExAC 0.00007; 1000 Genomes Project 0.00040; 1000 Genomes Project 30x 0.00047.
gnomAD v4.1: 107 of 1,613,884 alleles (0.0066%); highest among the groups gnomAD compares: Middle Eastern, 0.017%; no homozygotes.

Submissions (2):

Ambry Genetics
Classification: Uncertain significance. Last evaluated: 2025-11-19. Review status: criteria provided, single submitter. Criteria: Ambry Variant Classification Scheme 2023. Collection method: clinical testing. Allele origin: germline.

Labcorp Genetics (formerly Invitae), Labcorp
Classification: Uncertain significance for Agammaglobulinemia 2, autosomal recessive. Last evaluated: 2025-10-06. Review status: criteria provided, single submitter. Criteria: Invitae Variant Classification Sherloc (09022015). Collection method: clinical testing. Allele origin: germline.
Comment: This sequence change replaces serine, which is neutral and polar, with cysteine, which is neutral and slightly polar, at codon 123 of the IGLL1 protein (p.Ser123Cys). This variant is present in population databases (rs537809626, gnomAD 0.01%). This variant has not been reported in the literature in individuals affected with IGLL1-related conditions. ClinVar contains an entry for this variant (Variation ID: 661875). An algorithm developed to predict the effect of missense changes on protein structure and function (PolyPhen-2) suggests that this variant is likely to be tolerated. In summary, the available evidence is currently insufficient to determine the role of this variant in disease. Therefore, it has been classified as a Variant of Uncertain Significance.

NM_020070.4(IGLL1):c.368C>G (p.Ser123Cys)

Gene: IGLL1 (immunoglobulin lambda like polypeptide 1; minus strand). Cytogenetic location: 22q11.23.
Variant type: single nucleotide variant.
Coding change: c.368C>G on transcript NM_020070.4 (MANE Select); coding-DNA position 368, C replaced by G.
Protein change: p.Ser123Cys; replaces serine 123 with cysteine.
Molecular consequence: missense variant. On other transcripts: synonymous variant (1).
Genome position (GRCh38, 1-based): chr22:23,573,540, G>C on the plus strand (C>G on the coding strand, the complement: IGLL1 is on the minus strand). VCF-style: chr22-23573540-G-C. GRCh37 (hg19) VCF-style: chr22-23915727-G-C.
Other names: c.368C>G (NM_020070.2); c.371C>G, p.Ser124Cys (NM_001369906.1); c.252C>G, p.Leu84= (NM_152855.3); short protein forms S123C, S124C.
Identifiers: ClinVar variation 661875 (VCV000661875.10), dbSNP rs537809626, ClinGen allele CA10143288.